The following is an entry in ClinVar:

ClinVar aggregate classification (germline): Uncertain significance (1 of 4 stars; one submission).

gnomAD v4.1: 2 of 1,614,176 alleles (0.00012%); highest among the groups gnomAD compares: East Asian, 0.0022%; no homozygotes.

Submission:

GeneDx
Classification: Uncertain significance. Last evaluated: 2019-04-23. Review status: criteria provided, single submitter. Criteria: GeneDx Variant Classification Process June 2021. Collection method: clinical testing. Allele origin: germline. Affected: yes.
Comment: Not observed in large population cohorts (Lek et al., 2016); In silico analysis, which includes protein predictors and evolutionary conservation, supports that this variant does not alter protein structure/function; Has not been previously published as pathogenic or benign to our knowledge

NM_002473.6(MYH9):c.1648C>G (p.Gln550Glu)

Gene: MYH9 (myosin heavy chain 9; minus strand). Cytogenetic location: 22q12.3.
Variant type: single nucleotide variant.
Coding change: c.1648C>G on transcript NM_002473.6 (MANE Select); coding-DNA position 1648, C replaced by G.
Protein change: p.Gln550Glu; replaces glutamine 550 with glutamic acid.
Molecular consequence: missense variant.
Genome position (GRCh38, 1-based): chr22:36,312,129, G>C on the plus strand (C>G on the coding strand, the complement: MYH9 is on the minus strand). VCF-style: chr22-36312129-G-C. GRCh37 (hg19) VCF-style: chr22-36708174-G-C.
Other names: short protein forms Q550E.
Identifiers: ClinVar variation 1305243 (VCV001305243.2), dbSNP rs1343411512, ClinGen allele CA411400173.